The following is an entry in ClinVar:

ClinVar aggregate classification (germline): Uncertain significance (1 of 4 stars; one submission).

Conditions:
Catecholaminergic polymorphic ventricular tachycardia 1. Also called: VENTRICULAR TACHYCARDIA, STRESS-INDUCED POLYMORPHIC 1; VENTRICULAR TACHYCARDIA, CATECHOLAMINERGIC POLYMORPHIC, 1, WITH OR WITHOUT ATRIAL DYSFUNCTION AND/OR DILATED CARDIOMYOPATHY; RYR2-Related Catecholaminergic Polymorphic Ventricular Tachycardia. Identifiers: Orphanet 3286, MedGen C1631597, MONDO:0011484, OMIM 604772.

Submission:

Labcorp Genetics (formerly Invitae), Labcorp
Classification: Uncertain significance for Catecholaminergic polymorphic ventricular tachycardia 1. Last evaluated: 2024-10-10. Review status: criteria provided, single submitter. Criteria: Invitae Variant Classification Sherloc (09022015). Collection method: clinical testing. Allele origin: germline.
Comment: This sequence change replaces alanine, which is neutral and non-polar, with threonine, which is neutral and polar, at codon 1066 of the RYR2 protein (p.Ala1066Thr). This variant is not present in population databases (gnomAD no frequency). This variant has not been reported in the literature in individuals affected with RYR2-related conditions. Invitae Evidence Modeling of protein sequence and biophysical properties (such as structural, functional, and spatial information, amino acid conservation, physicochemical variation, residue mobility, and thermodynamic stability) indicates that this missense variant is not expected to disrupt RYR2 protein function with a negative predictive value of 95%. In summary, the available evidence is currently insufficient to determine the role of this variant in disease. Therefore, it has been classified as a Variant of Uncertain Significance.

NM_001035.3(RYR2):c.3196G>A (p.Ala1066Thr)

Gene: RYR2 (ryanodine receptor 2; plus strand). Cytogenetic location: 1q43.
Variant type: single nucleotide variant.
Coding change: c.3196G>A on transcript NM_001035.3 (MANE Select); coding-DNA position 3196, G replaced by A.
Protein change: p.Ala1066Thr; replaces alanine 1066 with threonine.
Molecular consequence: missense variant.
Genome position (GRCh38, 1-based): chr1:237,550,673, G>A. VCF-style: chr1-237550673-G-A. GRCh37 (hg19) VCF-style: chr1-237713973-G-A.
Other names: short protein forms A1066T.
Identifiers: ClinVar variation 3710625 (VCV003710625.2).